The following is an entry in ClinVar:

NM_000138.5(FBN1):c.8227-3del

Gene: FBN1 (fibrillin 1; minus strand). Cytogenetic location: 15q21.1.
Variant type: Deletion.
Coding change: c.8227-3del on transcript NM_000138.5 (MANE Select); 3 bases into the intron before coding-DNA position 8227, one base deleted (C; older notation c.8227-3delC).
Molecular consequence: intron variant.
Genome position (GRCh38, 1-based): chr15:48,411,382, G deleted on the plus strand (C on the coding strand, the reverse complement: FBN1 is on the minus strand); the first of 2 consecutive G bases (chr15:48,411,382-48,411,383); deleting either gives the same sequence. VCF-style (leftmost placement, unchanged base first): chr15-48411381-TG-T. GRCh37 (hg19) VCF-style: chr15-48703578-TG-T.
Other names: c.8227-3del (NM_001406716.1); c.8227-3delC (NM_000138.5).
Identifiers: ClinVar variation 3339185 (VCV003339185.3).

ClinVar aggregate classification (germline): Conflicting classifications of pathogenicity. Review status: criteria provided, conflicting classifications (1 of 4 stars). 2 submissions from 2 submitters: Uncertain significance (1); Likely benign (1). Last evaluated 2024-09-23.

Conditions:
Marfan syndrome (MFS). Also called: MARFAN SYNDROME, TYPE I; Marfan syndrome type 1; Marfan's syndrome; Marfan syndrome, classic; FBN1-Related Marfan Syndrome. Identifiers: Orphanet 284963, Orphanet 558, MedGen C0024796, MONDO:0007947, OMIM 154700.
Familial thoracic aortic aneurysm and aortic dissection (TAAD). Also called: Thoracic aortic aneurysms and dissections. Identifiers: Orphanet 91387, MedGen C4707243, MONDO:0019625.

Submissions (2):

Labcorp Genetics (formerly Invitae), Labcorp
Classification: Likely benign for Marfan syndrome; Familial thoracic aortic aneurysm and aortic dissection. Last evaluated: 2024-09-23. Review status: criteria provided, single submitter. Criteria: Invitae Variant Classification Sherloc (09022015). Collection method: clinical testing. Allele origin: germline.

Women's Health and Genetics/Laboratory Corporation of America, LabCorp
Classification: Uncertain significance. Last evaluated: 2024-07-02. Review status: criteria provided, single submitter. Criteria: LabCorp Variant Classification Summary - May 2015. Collection method: clinical testing. Allele origin: germline.
Comment: Variant summary: FBN1 c.8227-3delC removes a nucleotide located close to a canonical splice site and therefore could affect mRNA splicing, leading to a significantly altered protein sequence. Computational tools predict a significant impact on normal splicing: two predict the variant weakens a 3' acceptor site, while two predict the variant with no significant impact on splicing. The variant allele was found at a frequency of 4e-06 in 250618 control chromosomes (gnomAD). The available data on variant occurrences in the general population are insufficient to allow any conclusion about variant significance. To our knowledge, no occurrence of c.8227-3delC in individuals affected with Marfan Syndrome and no experimental evidence demonstrating its impact on protein function have been reported. No submitters have cited clinical-significance assessments for this variant to ClinVar. Based on the evidence outlined above, the variant was classified as uncertain significance.